The following is an entry in ClinVar:

ClinVar aggregate classification (germline): Uncertain significance (1 of 4 stars; one submission).

Submission:

Labcorp Genetics (formerly Invitae), Labcorp
Classification: Uncertain significance. Last evaluated: 2022-08-10. Review status: criteria provided, single submitter. Criteria: Invitae Variant Classification Sherloc (09022015). Collection method: clinical testing. Allele origin: germline.
Comment: In summary, the available evidence is currently insufficient to determine the role of this variant in disease. Therefore, it has been classified as a Variant of Uncertain Significance. This sequence change affects a donor splice site in intron 11 of the SEMA4A gene. It is expected to disrupt RNA splicing. Variants that disrupt the donor or acceptor splice site typically lead to a loss of protein function (PMID: 16199547), however the current clinical and genetic evidence is not sufficient to establish whether loss-of-function variants in SEMA4A cause disease. This variant is not present in population databases (gnomAD no frequency). This variant has not been reported in the literature in individuals affected with SEMA4A-related conditions. ClinVar contains an entry for this variant (Variation ID: 1365382). Algorithms developed to predict the effect of sequence changes on RNA splicing suggest that this variant may disrupt the consensus splice site.

Literature cited by the submitters: PubMed 16199547.

NM_022367.4(SEMA4A):c.1315+2T>G

Gene: SEMA4A (semaphorin 4A; plus strand). Cytogenetic location: 1q22.
Variant type: single nucleotide variant.
Coding change: c.1315+2T>G on transcript NM_022367.4 (MANE Select); the canonical splice donor site of the intron after coding-DNA position 1315, T replaced by G.
Molecular consequence: splice donor variant.
Genome position (GRCh38, 1-based): chr1:156,173,008, T>G. VCF-style: chr1-156173008-T-G. GRCh37 (hg19) VCF-style: chr1-156142799-T-G.
Other names: c.808+2T>G (NM_001370571.1, NM_001370569.1); c.1315+2T>G (NM_001193300.2, NM_001193301.2, NM_001370567.1); c.1018+2T>G (NM_001370568.1); c.919+2T>G (NM_001193302.2).
Identifiers: ClinVar variation 1365382 (VCV001365382.6), dbSNP rs2103001963, ClinGen allele CA342807983.